The following is an entry in ClinVar:

NM_001195263.2(PDZD7):c.1379C>T (p.Ala460Val)

Gene: PDZD7 (PDZ domain containing 7; minus strand). Cytogenetic location: 10q24.31.
Variant type: single nucleotide variant.
Coding change: c.1379C>T on transcript NM_001195263.2 (MANE Select); coding-DNA position 1379, C replaced by T.
Protein change: p.Ala460Val; replaces alanine 460 with valine.
Molecular consequence: missense variant. On other transcripts: synonymous variant (1).
Genome position (GRCh38, 1-based): chr10:101,018,242, G>A on the plus strand (C>T on the coding strand, the complement: PDZD7 is on the minus strand). VCF-style: chr10-101018242-G-A. GRCh37 (hg19) VCF-style: chr10-102777999-G-A.
Other names: c.1379C>T (NM_001195263.1); c.1407C>T, p.Cys469= (NM_001351044.2); c.1379C>T, p.Ala460Val (NM_024895.5); short protein forms A460V.
Identifiers: ClinVar variation 1061611 (VCV001061611.9), dbSNP rs776473503, ClinGen allele CA5654098.

ClinVar aggregate classification (germline): Uncertain significance. Review status: criteria provided, multiple submitters, no conflicts (2 of 4 stars). 4 submissions from 4 submitters: Uncertain significance (4). Last evaluated 2025-08-02.

Conditions:
Inborn genetic diseases. Identifiers: MedGen C0950123, MeSH D030342.

Allele frequency attached by ClinVar (database versions not stated): gnomAD exomes below 0.00001 and 0.00002; TOPMed below 0.00001; ExAC 0.00001.
gnomAD v4.1: 11 of 1,614,152 alleles (0.00068%); highest among the groups gnomAD compares: Admixed American, 0.0067%; no homozygotes.

Submissions (4):

Ambry Genetics
Classification: Uncertain significance for Inborn genetic diseases. Last evaluated: 2025-08-02. Review status: criteria provided, single submitter. Criteria: Ambry Variant Classification Scheme 2023. Collection method: clinical testing. Allele origin: germline.

Labcorp Genetics (formerly Invitae), Labcorp
Classification: Uncertain significance. Last evaluated: 2024-10-26. Review status: criteria provided, single submitter. Criteria: Invitae Variant Classification Sherloc (09022015). Collection method: clinical testing. Allele origin: germline.
Comment: This sequence change replaces alanine, which is neutral and non-polar, with valine, which is neutral and non-polar, at codon 460 of the PDZD7 protein (p.Ala460Val). This variant is present in population databases (rs776473503, gnomAD 0.01%). This variant has not been reported in the literature in individuals affected with PDZD7-related conditions. ClinVar contains an entry for this variant (Variation ID: 1061611). Invitae Evidence Modeling of protein sequence and biophysical properties (such as structural, functional, and spatial information, amino acid conservation, physicochemical variation, residue mobility, and thermodynamic stability) indicates that this missense variant is not expected to disrupt PDZD7 protein function with a negative predictive value of 80%. In summary, the available evidence is currently insufficient to determine the role of this variant in disease. Therefore, it has been classified as a Variant of Uncertain Significance.

Blueprint Genetics
Classification: Uncertain significance. Last evaluated: 2022-09-27. Review status: criteria provided, single submitter. Criteria: ACMG Guidelines, 2015. Collection method: clinical testing. Allele origin: germline.

Breakthrough Genomics
Classification: Uncertain significance. Review status: criteria provided, single submitter. Criteria: ACMG Guidelines, 2015. Collection method: not provided. Allele origin: germline. Inheritance: Autosomal recessive inheritance. Affected: yes.